The following is an entry in ClinVar:

NM_005732.4(RAD50):c.1328T>C (p.Ile443Thr)

Gene: RAD50 (RAD50 double strand break repair protein; plus strand). Cytogenetic location: 5q31.1.
Variant type: single nucleotide variant.
Coding change: c.1328T>C on transcript NM_005732.4 (MANE Select); coding-DNA position 1328, T replaced by C.
Protein change: p.Ile443Thr; replaces isoleucine 443 with threonine.
Molecular consequence: missense variant.
Genome position (GRCh38, 1-based): chr5:132,589,713, T>C. VCF-style: chr5-132589713-T-C. GRCh37 (hg19) VCF-style: chr5-131925405-T-C.
Other names: p.I443T:ATT>ACT; short protein forms I443T.
Identifiers: ClinVar variation 127995 (VCV000127995.11), dbSNP rs587780148, ClinGen allele CA288191.
Genomic context (GRCh38, chr5:132,589,713, plus strand): 5'-CTCTGAAACAAAAACAGATAGATGAGATAAGAGATAAGAAAACTGGACTGGGAAGAATAA[T>C]TGAGTTAAAATCAGAAATCCTAAGTAAGAAGCAGAATGAGCTGAAAAATGTGAAGTATGA-3'
Protein context (NP_005723.2, residues 433-453): RDKKTGLGRI[Ile443Thr]ELKSEILSKK

ClinVar aggregate classification (germline): Uncertain significance. Review status: criteria provided, multiple submitters, no conflicts (2 of 4 stars). 3 submissions from 3 submitters: Uncertain significance (3). Last evaluated 2025-05-27.

Conditions:
Hereditary cancer-predisposing syndrome. Also called: Hereditary neoplastic syndrome; Neoplastic Syndromes, Hereditary; Hereditary Cancer Syndrome; Tumor predisposition. Identifiers: Orphanet 140162, MedGen C0027672, MeSH D009386, MONDO:0015356.

Allele frequency attached by ClinVar (database versions not stated): gnomAD exomes 0.00001.
gnomAD v4.1: 5 of 1,612,934 alleles (0.00031%); highest among the groups gnomAD compares: Non-Finnish European, 0.00042%; no homozygotes.

Submissions (3):

Ambry Genetics
Classification: Uncertain significance for Hereditary cancer-predisposing syndrome. Last evaluated: 2025-05-27. Review status: criteria provided, single submitter. Criteria: Ambry Variant Classification Scheme 2023. Collection method: clinical testing. Allele origin: germline.
Comment: The p.I443T variant (also known as c.1328T>C), located in coding exon 9 of the RAD50 gene, results from a T to C substitution at nucleotide position 1328. The isoleucine at codon 443 is replaced by threonine, an amino acid with similar properties. This amino acid position is well conserved in available vertebrate species. In addition, this alteration is predicted to be tolerated by in silico analysis. Since supporting evidence is limited at this time, the clinical significance of this alteration remains unclear.

Labcorp Genetics (formerly Invitae), Labcorp
Classification: Uncertain significance for Hereditary cancer-predisposing syndrome. Last evaluated: 2023-10-04. Review status: criteria provided, single submitter. Criteria: Invitae Variant Classification Sherloc (09022015). Collection method: clinical testing. Allele origin: germline.
Comment: This sequence change replaces isoleucine, which is neutral and non-polar, with threonine, which is neutral and polar, at codon 443 of the RAD50 protein (p.Ile443Thr). This variant is not present in population databases (gnomAD no frequency). This variant has not been reported in the literature in individuals affected with RAD50-related conditions. ClinVar contains an entry for this variant (Variation ID: 127995). Advanced modeling of protein sequence and biophysical properties (such as structural, functional, and spatial information, amino acid conservation, physicochemical variation, residue mobility, and thermodynamic stability) performed at Invitae indicates that this missense variant is expected to disrupt RAD50 protein function. In summary, the available evidence is currently insufficient to determine the role of this variant in disease. Therefore, it has been classified as a Variant of Uncertain Significance.

GeneDx
Classification: Uncertain significance. Last evaluated: 2013-12-26. Review status: criteria provided, single submitter. Criteria: GeneDx Variant Classification (06012015). Collection method: clinical testing. Allele origin: germline. Affected: yes.
Comment: RAD50 has been only recently described in association with cancer predisposition and the risks are not well understood. This variant is denoted RAD50 c.1328T>C at the cDNA level, p.Ile443Thr (I443T) at the protein level, and results in the change of an Isoleucine to a Threonine (ATT>ACT). This variant has not, to our knowledge, been published in the literature as pathogenic or benign. RAD50 Ile443Thr was not observed in approximately 6,500 individuals of European and African American ancestry in the NHLBI Exome Sequencing Project, indicating it is not a common benign variant in these populations. This variant is a non-conservative substitution in which a neutral non-polar amino acid is replaced with a neutral polar one, altering a position that is well conserved throughout evolution and is located in a potential coiled coil domain (UniProt). In silico analyses are inconsistent with regard to the effect this variant may have on protein structure and function. On a molecular level, the impact of this missense variant on protein structure and function is not known and thus we consider this to be a variant of uncertain significance. Furthermore, based on the currently available information, cancer risks associated with this variant, and the RAD50 gene, remain unclear.